The following is an entry in ClinVar:

ClinVar aggregate classification (germline): Uncertain significance (1 of 4 stars; one submission).

Conditions:
Exostoses, multiple, type 2 (EXT2). Also called: EXOSTOSES, MULTIPLE, TYPE II; Hereditary Multiple Osteochondromatosis, Type II. Identifiers: Orphanet 321, MedGen C1851413, MONDO:0007586, OMIM 133701.

gnomAD v4.1: 2 of 1,613,924 alleles (0.00012%); highest among the groups gnomAD compares: East Asian, 0.0022%; no homozygotes.

Submission:

Labcorp Genetics (formerly Invitae), Labcorp
Classification: Uncertain significance for Exostoses, multiple, type 2. Last evaluated: 2022-02-23. Review status: criteria provided, single submitter. Criteria: Invitae Variant Classification Sherloc (09022015). Collection method: clinical testing. Allele origin: germline.
Comment: This variant has not been reported in the literature in individuals affected with EXT2-related conditions. Algorithms developed to predict the effect of missense changes on protein structure and function are either unavailable or do not agree on the potential impact of this missense change (SIFT: "Deleterious"; PolyPhen-2: "Benign"; Align-GVGD: "Class C0"). In summary, the available evidence is currently insufficient to determine the role of this variant in disease. Therefore, it has been classified as a Variant of Uncertain Significance. This variant is not present in population databases (gnomAD no frequency). This sequence change replaces glycine, which is neutral and non-polar, with cysteine, which is neutral and slightly polar, at codon 438 of the EXT2 protein (p.Gly438Cys).

NM_207122.2(EXT2):c.1312G>T (p.Gly438Cys)

Genes: EXT2 (exostosin glycosyltransferase 2; plus strand), LOC126861201 (MED14-independent group 3 enhancer GRCh37_chr11:44218806-44220005; plus strand). Cytogenetic location: 11p11.2.
Variant type: single nucleotide variant.
Coding change: c.1312G>T on transcript NM_207122.2 (MANE Select); coding-DNA position 1312, G replaced by T.
Protein change: p.Gly438Cys; replaces glycine 438 with cysteine.
Molecular consequence: missense variant.
Genome position (GRCh38, 1-based): chr11:44,197,835, G>T. VCF-style: chr11-44197835-G-T. GRCh37 (hg19) VCF-style: chr11-44219385-G-T.
Other names: c.1411G>T, p.Gly471Cys (NM_000401.3); c.1342G>T, p.Gly448Cys (NM_001178083.3); c.1312G>T, p.Gly438Cys (NM_001389628.1, NM_001389630.1); short protein forms G438C, G471C, G448C.
Identifiers: ClinVar variation 1423937 (VCV001423937.8), dbSNP rs775111831, ClinGen allele CA380178932.
Genomic context (GRCh38, chr11:44,197,835, plus strand): 5'-CAGCCATATTGTTACAGCTGCTTTTCTGACCCGTGTTAATCTGTCCTCTTGTAGAAGTGG[G>T]GCAGCGTGAGCAATCCACTCTTCCTCCCGCTGATCCCACCACAGTCTCAAGGGTTCACCG-3'
Protein context (NP_997005.1, residues 428-448): EWNDPPAVKW[Gly438Cys]SVSNPLFLPL